The following is an entry in ClinVar:

ClinVar aggregate classification (germline): Benign. Review status: criteria provided, multiple submitters, no conflicts (2 of 4 stars). 3 submissions from 3 submitters: Benign (3). Last evaluated 2021-07-01.

Conditions:
Familial dysautonomia. Also called: HSAN III; FD. Identifiers: Orphanet 1764, MedGen C0013364, MONDO:0009131, OMIM 223900. Disease mechanism: loss of function.

Allele frequency attached by ClinVar (database versions not stated): 1000 Genomes Project 0.05591; 1000 Genomes Project 30x 0.05856; gnomAD 0.06954 and 0.07241; TOPMed 0.07103.
gnomAD v4.1: 42,764 of 770,502 alleles (5.6%); highest among the groups gnomAD compares: African/African-American, 11%; 1,496 homozygotes.

Submissions (3):

Genome-Nilou Lab
Classification: Benign for Familial dysautonomia. Last evaluated: 2021-07-01. Review status: criteria provided, single submitter. Criteria: ACMG Guidelines, 2015. Collection method: clinical testing. Allele origin: germline. Affected: no.

GeneDx
Classification: Benign. Last evaluated: 2018-06-14. Review status: criteria provided, single submitter. Criteria: GeneDx Variant Classification (06012015). Collection method: clinical testing. Allele origin: germline. Affected: yes.
Comment: This variant is considered likely benign or benign based on one or more of the following criteria: it is a conservative change, it occurs at a poorly conserved position in the protein, it is predicted to be benign by multiple in silico algorithms, and/or has population frequency not consistent with disease.

Breakthrough Genomics
Classification: Benign. Review status: criteria provided, single submitter. Criteria: ACMG Guidelines, 2015. Collection method: not provided. Allele origin: germline. Inheritance: Autosomal recessive inheritance. Affected: yes.

NM_003640.5(ELP1):c.1750+115C>G

Gene: ELP1 (elongator acetyltransferase complex subunit 1; minus strand). Cytogenetic location: 9q31.3.
Variant type: single nucleotide variant.
Coding change: c.1750+115C>G on transcript NM_003640.5 (MANE Select); 115 bases into the intron after coding-DNA position 1750, C replaced by G.
Molecular consequence: intron variant.
Genome position (GRCh38, 1-based): chr9:108,903,448, G>C on the plus strand (C>G on the coding strand, the complement: ELP1 is on the minus strand). VCF-style: chr9-108903448-G-C. GRCh37 (hg19) VCF-style: chr9-111665728-G-C.
Other names: c.1408+115C>G (NM_001318360.2); c.703+115C>G (NM_001330749.2).
Identifiers: ClinVar variation 672490 (VCV000672490.5), dbSNP rs16913675, ClinGen allele CA197538790.